The following is an entry in ClinVar:

ClinVar aggregate classification (germline): Uncertain significance (0 of 4 stars; one submission).

Conditions:
GANAB-related disorder. Also called: GANAB-related condition.

gnomAD v4.1: 1 of 1,614,184 alleles (0.000062%); highest among the groups gnomAD compares: Non-Finnish European, 0.000085%; no homozygotes.

Submission:

PreventionGenetics, part of Exact Sciences
Classification: Uncertain significance for GANAB-related condition. Last evaluated: 2024-04-22. Review status: no assertion criteria provided. Collection method: clinical testing. Allele origin: germline.
Comment: The GANAB c.1793G>A variant is predicted to result in the amino acid substitution p.Gly598Asp. To our knowledge, this variant has not been reported in the literature or in a large population database, indicating this variant is rare. At this time, the clinical significance of this variant is uncertain due to the absence of conclusive functional and genetic evidence.

NM_198334.3(GANAB):c.1727G>A (p.Gly576Asp)

Gene: GANAB (glucosidase II alpha subunit; minus strand). Cytogenetic location: 11q12.3.
Variant type: single nucleotide variant.
Coding change: c.1727G>A on transcript NM_198334.3 (MANE Select); coding-DNA position 1727, G replaced by A.
Protein change: p.Gly576Asp; replaces glycine 576 with aspartic acid.
Molecular consequence: missense variant.
Genome position (GRCh38, 1-based): chr11:62,629,824, C>T on the plus strand (G>A on the coding strand, the complement: GANAB is on the minus strand). VCF-style: chr11-62629824-C-T. GRCh37 (hg19) VCF-style: chr11-62397296-C-T.
Other names: c.1451G>A, p.Gly484Asp (NM_001278192.2); c.1385G>A, p.Gly462Asp (NM_001278193.2); c.1436G>A, p.Gly479Asp (NM_001278194.2, NM_001329222.2, NM_001329223.2); c.1004G>A, p.Gly335Asp (NM_001329224.2, NM_001329225.2); c.1793G>A, p.Gly598Asp (NM_198335.4); short protein forms G335D, G462D, G479D, G484D, G576D, G598D.
Identifiers: ClinVar variation 3346055 (VCV003346055.1).